The following is an entry in ClinVar:

ClinVar aggregate classification (germline): Pathogenic/Likely pathogenic. Review status: criteria provided, multiple submitters, no conflicts (2 of 4 stars). 2 submissions from 2 submitters: Pathogenic (1); Likely pathogenic (1). Last evaluated 2023-10-17.

Conditions:
Developmental and epileptic encephalopathy, 80. Also called: EPILEPTIC ENCEPHALOPATHY, EARLY INFANTILE, 80; GLYCOSYLPHOSPHATIDYLINOSITOL BIOSYNTHESIS DEFECT 20. Identifiers: MedGen C5231418, MONDO:0032822, OMIM 618580.

Allele frequency attached by ClinVar (database versions not stated): gnomAD exomes below 0.00001.
gnomAD v4.1: 1 of 1,612,024 alleles (0.000062%); highest among the groups gnomAD compares: South Asian, 0.0011%; no homozygotes.

Submissions (2):

Labcorp Genetics (formerly Invitae), Labcorp
Classification: Likely pathogenic. Last evaluated: 2023-10-17. Review status: criteria provided, single submitter. Criteria: Invitae Variant Classification Sherloc (09022015). Collection method: clinical testing. Allele origin: germline.
Comment: This sequence change replaces isoleucine, which is neutral and non-polar, with methionine, which is neutral and non-polar, at codon 537 of the PIGB protein (p.Ile537Met). This variant is not present in population databases (gnomAD no frequency). This missense change has been observed in individual(s) with PIGB-related conditions (PMID: 31256876). In at least one individual the data is consistent with being in trans (on the opposite chromosome) from a pathogenic variant. ClinVar contains an entry for this variant (Variation ID: 976715). Advanced modeling of protein sequence and biophysical properties (such as structural, functional, and spatial information, amino acid conservation, physicochemical variation, residue mobility, and thermodynamic stability) performed at Invitae indicates that this missense variant is not expected to disrupt PIGB protein function. Experimental studies have shown that this missense change affects PIGB function (PMID: 31256876). In summary, the currently available evidence indicates that the variant is pathogenic, but additional data are needed to prove that conclusively. Therefore, this variant has been classified as Likely Pathogenic.

Institute of Human Genetics Munich, TUM University Hospital
Classification: Pathogenic for Developmental and epileptic encephalopathy, 80. Last evaluated: 2020-04-28. Review status: criteria provided, single submitter. Criteria: Classification criteria August 2017. Collection method: clinical testing. Allele origin: paternal. Inheritance: Autosomal recessive inheritance. Affected: yes. Observed: 1 compound heterozygote.

Literature cited by the submitters: PubMed 31256876 (cited by Labcorp Genetics (formerly Invitae), Labcorp).

NM_004855.5(PIGB):c.1611A>G (p.Ile537Met)

Genes: CCPG1 (cell cycle progression 1; minus strand), DNAAF4-CCPG1 (DNAAF4-CCPG1 readthrough (NMD candidate); minus strand), PIGB (phosphatidylinositol glycan anchor biosynthesis class B; plus strand). Cytogenetic location: 15q21.3.
Variant type: single nucleotide variant.
Coding change: c.1611A>G on transcript NM_004855.5 (MANE Select); coding-DNA position 1611, A replaced by G.
Protein change: p.Ile537Met; replaces isoleucine 537 with methionine.
Molecular consequence: missense variant. On other transcripts: non-coding transcript variant (1), 3 prime UTR variant (4).
Genome position (GRCh38, 1-based): chr15:55,355,378, A>G. VCF-style: chr15-55355378-A-G. GRCh37 (hg19) VCF-style: chr15-55647576-A-G.
Other names: c.*842T>C (NM_001204450.2, NM_001204451.2); c.*4121T>C (NM_004748.6, NM_020739.5); short protein forms I537M.
Identifiers: ClinVar variation 976715 (VCV000976715.9), dbSNP rs2056056414, ClinGen allele CA392544558.